The following is an entry in ClinVar:

NM_017617.5(NOTCH1):c.3679C>T (p.Pro1227Ser)

Gene: NOTCH1 (notch receptor 1; minus strand). Cytogenetic location: 9q34.3.
Variant type: single nucleotide variant.
Coding change: c.3679C>T on transcript NM_017617.5 (MANE Select); coding-DNA position 3679, C replaced by T.
Protein change: p.Pro1227Ser; replaces proline 1227 with serine.
Molecular consequence: missense variant.
Genome position (GRCh38, 1-based): chr9:136,506,938, G>A on the plus strand (C>T on the coding strand, the complement: NOTCH1 is on the minus strand). VCF-style: chr9-136506938-G-A. GRCh37 (hg19) VCF-style: chr9-139401390-G-A.
Other names: c.3679C>T (NM_017617.4); c.3679C>T, p.Pro1227Ser (LRG_1122t1); short protein forms P1227S.
Identifiers: ClinVar variation 520088 (VCV000520088.24), dbSNP rs777652834, ClinGen allele CA5340826.

ClinVar aggregate classification (germline): Conflicting classifications of pathogenicity. Review status: criteria provided, conflicting classifications (1 of 4 stars). 4 submissions from 4 submitters: Uncertain significance (3); Likely benign (1). Last evaluated 2025-09-24.

Conditions:
Familial thoracic aortic aneurysm and aortic dissection (TAAD). Also called: Thoracic aortic aneurysms and dissections. Identifiers: Orphanet 91387, MedGen C4707243, MONDO:0019625.
Adams-Oliver syndrome 5 (AOS5). Identifiers: Orphanet 974, MedGen C4014970, MONDO:0014459, OMIM 616028.
NOTCH1-related disorder. Also called: NOTCH1-related disorders; NOTCH1-related condition.

Allele frequency attached by ClinVar (database versions not stated): gnomAD 0.00002; gnomAD exomes 0.00005 and 0.00007; TOPMed 0.00005; ExAC 0.00012.

Submissions (4):

Labcorp Genetics (formerly Invitae), Labcorp
Classification: Likely benign for Adams-Oliver syndrome 5. Last evaluated: 2025-09-24. Review status: criteria provided, single submitter. Criteria: Invitae Variant Classification Sherloc (09022015). Collection method: clinical testing. Allele origin: germline.

Ambry Genetics
Classification: Uncertain significance for Familial thoracic aortic aneurysm and aortic dissection. Last evaluated: 2024-12-06. Review status: criteria provided, single submitter. Criteria: Ambry Variant Classification Scheme 2023. Collection method: clinical testing. Allele origin: germline.
Comment: The p.P1227S variant (also known as c.3679C>T), located in coding exon 23 of the NOTCH1 gene, results from a C to T substitution at nucleotide position 3679. The proline at codon 1227 is replaced by serine, an amino acid with similar properties. This variant has been detected in an aortic aneurysm cohort, an idiopathic hypogonadotropic hypogonadism cohort and a bicuspid aortic valve cohort; however, clinical details were limited (Irtyuga OV et al. Russ J Cardiol. 2018;23(7):53-59; Li J et al. Mol Genet Genomic Med, 2021 10;9:e1800; Zhang J et al. Asian J Androl;23:288-293; Wu B et al. Heart Vessels, 2021 Apr;36:530-540). This amino acid position is highly conserved in available vertebrate species. In addition, the in silico prediction for this alteration is inconclusive. Since supporting evidence is limited at this time, the clinical significance of this alteration remains unclear.

PreventionGenetics, part of Exact Sciences
Classification: Uncertain significance for NOTCH1-related condition. Last evaluated: 2023-07-25. Review status: criteria provided, single submitter. Criteria: ACMG Guidelines, 2015. Collection method: clinical testing. Allele origin: germline.
Comment: The NOTCH1 c.3679C>T variant is predicted to result in the amino acid substitution p.Pro1227Ser. This variant was reported in four individuals with with bicuspid aortic valve or thoracic aortic aneurysm and dissection; however, no functional studies were performed to help assess the pathogenicity of this variant (Wu et al. 2020. PubMed ID: 33064175; Table S1, Li et al. 2021. PubMed ID: 34498425). This variant was also documented in an individual with idiopathic hypogonadotropic hypogonadism (Zhang et al. 2020. PubMed ID: 33208564). This variant is reported in 0.068% of alleles in individuals of East Asian descent in gnomAD. At this time, the clinical significance of this variant is uncertain due to the absence of conclusive functional and genetic evidence.

GeneDx
Classification: Uncertain significance. Last evaluated: 2023-06-16. Review status: criteria provided, single submitter. Criteria: GeneDx Variant Classification Process June 2021. Collection method: clinical testing. Allele origin: germline. Affected: yes.
Comment: In silico analysis supports that this missense variant has a deleterious effect on protein structure/function; This variant is associated with the following publications: (PMID: 33064175, 33208564, 34498425, 36341199)

Literature cited by the submitters: PubMed 33064175 (cited by Ambry Genetics); PubMed 33208564 (cited by Ambry Genetics); PubMed 34498425 (cited by Ambry Genetics); PubMed 35288444 (cited by Ambry Genetics).